The following is an entry in ClinVar:

NM_001195263.2(PDZD7):c.1411T>C (p.Phe471Leu)

Gene: PDZD7 (PDZ domain containing 7; minus strand). Cytogenetic location: 10q24.31.
Variant type: single nucleotide variant.
Coding change: c.1411T>C on transcript NM_001195263.2 (MANE Select); coding-DNA position 1411, T replaced by C.
Protein change: p.Phe471Leu; replaces phenylalanine 471 with leucine.
Molecular consequence: missense variant.
Genome position (GRCh38, 1-based): chr10:101,018,210, A>G on the plus strand (T>C on the coding strand, the complement: PDZD7 is on the minus strand). VCF-style: chr10-101018210-A-G. GRCh37 (hg19) VCF-style: chr10-102777967-A-G.
Other names: c.1439T>C, p.Leu480Pro (NM_001351044.2); c.1411T>C, p.Phe471Leu (NM_024895.5); short protein forms L480P, F471L.
Identifiers: ClinVar variation 667150 (VCV000667150.13), dbSNP rs141181035, ClinGen allele CA5654092.

ClinVar aggregate classification (germline): Conflicting classifications of pathogenicity. Review status: criteria provided, conflicting classifications (1 of 4 stars). 6 submissions from 6 submitters: Uncertain significance (2); Likely benign (2). 2 of the submissions do not count toward it. Last evaluated 2024-11-26.

Allele frequency attached by ClinVar (database versions not stated): 1000 Genomes Project 30x 0.00016; 1000 Genomes Project 0.00020; TOPMed 0.00032; gnomAD 0.00037 and 0.00038; ExAC 0.00042; gnomAD exomes 0.00045 and 0.00093; ESP Exome Variant Server 0.00069.
gnomAD v4.1: 1,397 of 1,614,186 alleles (0.087%); highest among the groups gnomAD compares: Non-Finnish European, 0.11%; no homozygotes.

Submissions (6):

Blueprint Genetics
Classification: Likely benign. Last evaluated: 2024-11-26. Review status: criteria provided, single submitter. Criteria: ACMG Guidelines, 2015. Collection method: clinical testing. Allele origin: germline.

Greenwood Genetic Center Diagnostic Laboratories, Greenwood Genetic Center
Classification: Uncertain significance. Last evaluated: 2023-08-21. Review status: criteria provided, single submitter. Criteria: ACMG Guidelines, 2015. Collection method: clinical testing. Allele origin: germline. Affected: yes.
Comment: BP4

Labcorp Genetics (formerly Invitae), Labcorp
Classification: Uncertain significance. Last evaluated: 2022-10-24. Review status: criteria provided, single submitter. Criteria: Invitae Variant Classification Sherloc (09022015). Collection method: clinical testing. Allele origin: germline.
Comment: This sequence change replaces phenylalanine, which is neutral and non-polar, with leucine, which is neutral and non-polar, at codon 471 of the PDZD7 protein (p.Phe471Leu). This variant is present in population databases (rs141181035, gnomAD 0.09%), and has an allele count higher than expected for a pathogenic variant. This variant has not been reported in the literature in individuals affected with PDZD7-related conditions. ClinVar contains an entry for this variant (Variation ID: 667150). Advanced modeling of protein sequence and biophysical properties (such as structural, functional, and spatial information, amino acid conservation, physicochemical variation, residue mobility, and thermodynamic stability) performed at Invitae indicates that this missense variant is not expected to disrupt PDZD7 protein function. In summary, the available evidence is currently insufficient to determine the role of this variant in disease. Therefore, it has been classified as a Variant of Uncertain Significance.

Laboratory for Molecular Medicine, Mass General Brigham Personalized Medicine
Classification: Likely benign. Last evaluated: 2018-07-31. Review status: criteria provided, single submitter. Criteria: LMM Criteria. Collection method: clinical testing. Allele origin: germline. Observed: 2 variant alleles.
Comment: The p.Phe471Leu variant in PDZD7 has been previously reported in at least 1 indi vidual with hearing loss (Sommen 2016) though there was no information as to a v ariant on the other allele. It has been reported in 0.09% (110/126726) of Europe an chromosomes by the Genome Aggregation Database (gnomAD; dbSNP rs141181035) which meets the ClinGen Hearing Loss Expert Pane l threshold for applying BS1_Supporting criterion. Computational prediction too ls and conservation analyses suggest that this variant may not impact the protei n and the Leu residue is present in many fish species at this amino acid site. I n summary, based on population frequency and lack of conservation, this variant is likely benign. ACMG/AMP Criteria applied: BP4, BS1_Supporting.

Clinical Genetics DNA and cytogenetics Diagnostics Lab, Erasmus MC, Erasmus Medical Center
Classification: Likely benign. Review status: no assertion criteria provided. Collection method: clinical testing. Allele origin: germline. Affected: yes. Study: VKGL Data-share Consensus. Not counted in ClinVar's aggregate classification.

Clinical Genetics, Academic Medical Center
Classification: Likely benign. Review status: no assertion criteria provided. Collection method: clinical testing. Allele origin: germline. Affected: yes. Study: VKGL Data-share Consensus. Not counted in ClinVar's aggregate classification.

Literature cited by the submitters: PubMed 27068579 (cited by Laboratory for Molecular Medicine, Mass General Brigham Personalized Medicine).